The following is an entry in ClinVar:

NM_017617.5(NOTCH1):c.2128G>A (p.Asp710Asn)

Gene: NOTCH1 (notch receptor 1; minus strand). Cytogenetic location: 9q34.3.
Variant type: single nucleotide variant.
Coding change: c.2128G>A on transcript NM_017617.5 (MANE Select); coding-DNA position 2128, G replaced by A.
Protein change: p.Asp710Asn; replaces aspartic acid 710 with asparagine.
Molecular consequence: missense variant.
Genome position (GRCh38, 1-based): chr9:136,514,589, C>T on the plus strand (G>A on the coding strand, the complement: NOTCH1 is on the minus strand). VCF-style: chr9-136514589-C-T. GRCh37 (hg19) VCF-style: chr9-139409041-C-T.
Other names: short protein forms D710N.
Identifiers: ClinVar variation 810477 (VCV000810477.54), dbSNP rs950236535, ClinGen allele CA201586912.

ClinVar aggregate classification (germline): Uncertain significance. Review status: criteria provided, multiple submitters, no conflicts (2 of 4 stars). 6 submissions from 5 submitters: Uncertain significance (6). Last evaluated 2026-04-02.

Conditions:
Aortic valve disease 1 (AOVD1). Identifiers: MedGen C3887892, MONDO:0024523, OMIM 109730.
Adams-Oliver syndrome 5 (AOS5). Identifiers: Orphanet 974, MedGen C4014970, MONDO:0014459, OMIM 616028.

Allele frequency attached by ClinVar (database versions not stated): gnomAD 0.00001; TOPMed 0.00001; gnomAD exomes 0.00002.
gnomAD v4.1: 38 of 1,607,872 alleles (0.0024%); highest among the groups gnomAD compares: Non-Finnish European, 0.0028%; no homozygotes.

Submissions (6):

Clinical Genomics Laboratory, Washington University in St. Louis
Classification: Uncertain significance for Aortic valve disease 1; Adams-Oliver syndrome 5. Last evaluated: 2026-04-02. Review status: criteria provided, single submitter. Criteria: ACMG Guidelines, 2015. Collection method: clinical testing. Allele origin: germline.
Comment: The NOTCH1 c.2128G>A (p.Asp710Asn) variant has been reported in two individuals affected with tetralogy of Fallot (Debiec RM et al., PMID: 35288444; Manshaei R et al., PMID: 33110418). This variant has been reported in the ClinVar database as a germline variant of uncertain significance by five submitters. This variant is only observed on 38/1,607,872 alleles in the general population (gnomAD v4.1.0), indicating it is not a common variant. This variant occurs in one of the EGF-like repeats of NOTCH1 (Chillakuri CR et al., PMID: 22326375 ), and computational predictors are uncertain as to the impact of this variant on NOTCH1 function. Due to limited information, and based on ACMG/AMP guidelines for variant interpretation (Richards S et al., PMID: 25741868), the clinical significance of this variant is uncertain at this time.

Labcorp Genetics (formerly Invitae), Labcorp
Classification: Uncertain significance for Adams-Oliver syndrome 5. Last evaluated: 2026-01-19. Review status: criteria provided, single submitter. Criteria: Invitae Variant Classification Sherloc (09022015). Collection method: clinical testing. Allele origin: germline.
Comment: This sequence change replaces aspartic acid, which is acidic and polar, with asparagine, which is neutral and polar, at codon 710 of the NOTCH1 protein (p.Asp710Asn). This variant is not present in population databases (gnomAD no frequency). This missense change has been observed in individual(s) with NOTCH1-related conditions (PMID: 33110418). ClinVar contains an entry for this variant (Variation ID: 810477). Invitae Evidence Modeling of protein sequence and biophysical properties (such as structural, functional, and spatial information, amino acid conservation, physicochemical variation, residue mobility, and thermodynamic stability) indicates that this missense variant is not expected to disrupt NOTCH1 protein function with a negative predictive value of 80%. In summary, the available evidence is currently insufficient to determine the role of this variant in disease. Therefore, it has been classified as a Variant of Uncertain Significance.

GeneDx
Classification: Uncertain significance. Last evaluated: 2024-06-27. Review status: criteria provided, single submitter. Criteria: GeneDx Variant Classification Process June 2021. Collection method: clinical testing. Allele origin: germline. Affected: yes.
Comment: Identified in a patient with tetralogy of Fallot (TOF) in published literature (PMID: 33110418); Not observed at significant frequency in large population cohorts (gnomAD); In silico analysis supports that this missense variant has a deleterious effect on protein structure/function; This variant is associated with the following publications: (PMID: 33110418)

Genome-Nilou Lab
Classification: Uncertain significance for Adams-Oliver syndrome 5. Last evaluated: 2022-03-15. Review status: criteria provided, single submitter. Criteria: ACMG Guidelines, 2015. Collection method: clinical testing. Allele origin: germline. Affected: no.

Genome-Nilou Lab
Classification: Uncertain significance for Aortic valve disease 1. Last evaluated: 2022-03-15. Review status: criteria provided, single submitter. Criteria: ACMG Guidelines, 2015. Collection method: clinical testing. Allele origin: germline. Affected: no.

CeGaT Center for Human Genetics Tuebingen
Classification: Uncertain significance. Last evaluated: 2021-01-01. Review status: criteria provided, single submitter. Criteria: CeGaT Center For Human Genetics Tuebingen Variant Classification Criteria Version 2. Collection method: clinical testing. Allele origin: germline. Affected: yes. Observed: 2 variant alleles.

Literature cited by the submitters: PubMed 33110418 (cited by Labcorp Genetics (formerly Invitae), Labcorp).